The following is an entry in ClinVar:

ClinVar aggregate classification (germline): Pathogenic (1 of 4 stars; one submission).

Submission:

Labcorp Genetics (formerly Invitae), Labcorp
Classification: Pathogenic. Last evaluated: 2020-02-11. Review status: criteria provided, single submitter. Criteria: Invitae Variant Classification Sherloc (09022015). Collection method: clinical testing. Allele origin: germline.
Comment: This sequence change creates a premature translational stop signal (p.Arg595*) in the NEXMIF gene. It is expected to result in an absent or disrupted protein product. This variant is not present in population databases (ExAC no frequency). This variant has not been reported in the literature in individuals with NEXMIF-related conditions. Loss-of-function variants in NEXMIF are known to be pathogenic (PMID: 23615299). For these reasons, this variant has been classified as Pathogenic.

Literature cited by the submitters: PubMed 23615299.

NM_001008537.3(NEXMIF):c.1783A>T (p.Arg595Ter)

Gene: NEXMIF (neurite extension and migration factor; minus strand). Cytogenetic location: Xq13.3.
Variant type: single nucleotide variant.
Coding change: c.1783A>T on transcript NM_001008537.3 (MANE Select); coding-DNA position 1783, A replaced by T.
Protein change: p.Arg595Ter; replaces arginine 595 with a stop codon.
Molecular consequence: nonsense.
Genome position (GRCh38, 1-based): chrX:74,742,774, T>A on the plus strand (A>T on the coding strand, the complement: NEXMIF is on the minus strand). VCF-style: chrX-74742774-T-A. GRCh37 (hg19) VCF-style: chrX-73962609-T-A.
Other names: short protein forms R595*.
Identifiers: ClinVar variation 1068655 (VCV001068655.7), dbSNP rs2147440709, ClinGen allele CA413669699.